The following is an entry in ClinVar:

ClinVar aggregate classification (germline): Uncertain significance (1 of 4 stars; one submission).

Conditions:
Hereditary cancer-predisposing syndrome. Also called: Hereditary neoplastic syndrome; Tumor predisposition; Hereditary Cancer Syndrome; Neoplastic Syndromes, Hereditary. Identifiers: Orphanet 140162, MedGen C0027672, MeSH D009386, MONDO:0015356.

Submission:

Labcorp Genetics (formerly Invitae), Labcorp
Classification: Uncertain significance for Hereditary cancer-predisposing syndrome. Last evaluated: 2024-02-06. Review status: criteria provided, single submitter. Criteria: Invitae Variant Classification Sherloc (09022015). Collection method: clinical testing. Allele origin: germline.
Comment: This sequence change replaces arginine, which is basic and polar, with glycine, which is neutral and non-polar, at codon 759 of the RAD50 protein (p.Arg759Gly). This variant is not present in population databases (gnomAD no frequency). This variant has not been reported in the literature in individuals affected with RAD50-related conditions. Advanced modeling of protein sequence and biophysical properties (such as structural, functional, and spatial information, amino acid conservation, physicochemical variation, residue mobility, and thermodynamic stability) has been performed at Invitae for this missense variant, however the output from this modeling did not meet the statistical confidence thresholds required to predict the impact of this variant on RAD50 protein function. In summary, the available evidence is currently insufficient to determine the role of this variant in disease. Therefore, it has been classified as a Variant of Uncertain Significance.

NM_005732.4(RAD50):c.2275A>G (p.Arg759Gly)

Gene: RAD50 (RAD50 double strand break repair protein; plus strand). Cytogenetic location: 5q31.1.
Variant type: single nucleotide variant.
Coding change: c.2275A>G on transcript NM_005732.4 (MANE Select); coding-DNA position 2275, A replaced by G.
Protein change: p.Arg759Gly; replaces arginine 759 with glycine.
Molecular consequence: missense variant.
Genome position (GRCh38, 1-based): chr5:132,603,367, A>G. VCF-style: chr5-132603367-A-G. GRCh37 (hg19) VCF-style: chr5-131939059-A-G.
Other names: short protein forms R759G.
Identifiers: ClinVar variation 3639228 (VCV003639228.2).